The following is an entry in ClinVar:

NM_007294.4(BRCA1):c.2727_2730del (p.Asn909fs)

Gene: BRCA1 (BRCA1 DNA repair associated; minus strand). Cytogenetic location: 17q21.31.
Variant type: Deletion.
Coding change: c.2727_2730del on transcript NM_007294.4 (MANE Select); coding-DNA positions 2727 to 2730, 4 bases deleted (TCAA; older notation c.2727_2730delTCAA).
Protein change: p.Asn909fs; shifts the reading frame from asparagine 909.
Molecular consequence: frameshift variant. On other transcripts: intron variant (137).
Genome position (GRCh38, 1-based): chr17:43,092,801-43,092,804, TTGA deleted on the plus strand (TCAA on the coding strand, the reverse complement: BRCA1 is on the minus strand); deleting any 4 consecutive bases within chr17:43,092,801-43,092,806 gives the same sequence; the c. name uses the placement nearest the transcript's 3' end. VCF-style (leftmost placement, unchanged base first): chr17-43092800-CTTGA-C. GRCh37 (hg19) VCF-style: chr17-41244817-CTTGA-C.
Other names: 2844del4; 2846del4; c.2727_2730delTCAA (NM_007294.3); c.1839_1842del, p.Asn613fs (NM_001407967.1, NM_001407966.1); c.2586_2589del, p.Asn862fs (NM_007297.4, NM_001407692.1, NM_001407694.1 and 29 more transcripts); c.2727_2730del, p.Asn909fs (NM_007300.4, NM_001407581.1, NM_001407582.1 and 30 more transcripts); c.647-1772_647-1769del (NM_001408458.1, NM_001408469.1, NM_001408453.1 and 11 more transcripts); c.284-1772_284-1769del (NM_001408512.1); and 44 more; short protein forms N862fs, N909fs, N781fs, N798fs, N839fs, N842fs, N906fs, N908fs.
Identifiers: ClinVar variation 54661 (VCV000054661.20), dbSNP rs80357605, ClinGen allele CA001797.

ClinVar aggregate classification (germline): Pathogenic. Review status: reviewed by expert panel (3 of 4 stars). 9 submissions from 9 submitters: Pathogenic (1). 8 of the submissions do not count toward it. Last evaluated 2016-09-08.

Conditions:
Hereditary cancer-predisposing syndrome. Also called: Tumor predisposition; Neoplastic Syndromes, Hereditary; Hereditary Cancer Syndrome; Hereditary neoplastic syndrome. Identifiers: Orphanet 140162, MedGen C0027672, MeSH D009386, MONDO:0015356.
Hereditary breast ovarian cancer syndrome. Also called: Hereditary breast and ovarian cancer syndrome (HBOC); Hereditary breast and ovarian cancer syndrome; Hereditary breast and ovarian cancer; Hereditary breast and/or ovarian cancer syndrome; Breast and ovarian cancer; BRCA1- and BRCA2-Associated Hereditary Breast and Ovarian Cancer. Identifiers: Orphanet 145, MedGen C0677776, MeSH D061325, MONDO:0003582. Disease mechanism: loss of function.
Breast-ovarian cancer, familial, susceptibility to, 1 (BROVCA1). Also called: OVARIAN CANCER, SUSCEPTIBILITY TO; BRCA1 Hereditary Breast and Ovarian Cancer. Identifiers: Orphanet 145, MedGen C2676676, MONDO:0011450, OMIM 604370. Disease mechanism: loss of function.

Submissions (9):

Evidence-based Network for the Interpretation of Germline Mutant Alleles (ENIGMA)
Classification: Pathogenic for Breast-ovarian cancer, familial, susceptibility to, 1. Last evaluated: 2016-09-08. Review status: reviewed by expert panel. Criteria: ENIGMA BRCA1/2 Classification Criteria (2015). Collection method: curation. Allele origin: germline.
Comment: Variant allele predicted to encode a truncated non-functional protein.

Dasa
Classification: Pathogenic for Breast-ovarian cancer, familial, susceptibility to, 1. Last evaluated: 2025-07-04. Review status: criteria provided, single submitter. Criteria: DASA Assertion Criteria. Collection method: clinical testing. Allele origin: germline. Not counted in ClinVar's aggregate classification.
Comment: NM_007294.4(BRCA1):c.2727_2730del (p.Asn909Lysfs*90) is a frameshift variant in BRCA1 predicted to alter the reading frame and introduce a premature termination codon and is predicted to result in an absent or altered protein product. Loss of function is an established disease mechanism for BRCA1 (PMID: 32375709; PMID: 21989022; PMID: 11802209). The affected residue or protein region has prior evidence supporting clinical relevance. Also, this variant is rare in population databases. Based on the currently available evidence, this variant is classified as pathogenic.

Ambry Genetics
Classification: Pathogenic for Hereditary cancer-predisposing syndrome. Last evaluated: 2024-12-13. Review status: criteria provided, single submitter. Criteria: Ambry Variant Classification Scheme 2023. Collection method: clinical testing. Allele origin: germline. Not counted in ClinVar's aggregate classification.
Comment: The c.2727_2730delTCAA pathogenic mutation, located in coding exon 9 of the BRCA1 gene, results from a deletion of 4 nucleotides at nucleotide positions 2727 to 2730, causing a translational frameshift with a predicted alternate stop codon (p.N909Kfs*90). This mutation has previously been reported in an Italian family affected with breast/ovarian cancer (Montagna M et al. Cancer Res. 1996 Dec;56(23):5466-9). Of note, this alteration is also designated as 2846del4 in published literature. In addition to the clinical data presented in the literature, this alteration is expected to result in loss of function by premature protein truncation or nonsense-mediated mRNA decay. As such, this alteration is interpreted as a disease-causing mutation.

Labcorp Genetics (formerly Invitae), Labcorp
Classification: Pathogenic for Hereditary breast ovarian cancer syndrome. Last evaluated: 2023-07-16. Review status: criteria provided, single submitter. Criteria: Invitae Variant Classification Sherloc (09022015). Collection method: clinical testing. Allele origin: germline. Not counted in ClinVar's aggregate classification.
Comment: This variant is also known as 2846delTCAA. For these reasons, this variant has been classified as Pathogenic. ClinVar contains an entry for this variant (Variation ID: 54661). This premature translational stop signal has been observed in individual(s) with breast cancer and/or ovarian cancer (PMID: 8968102, 16683254, 22762150). This variant is not present in population databases (gnomAD no frequency). This sequence change creates a premature translational stop signal (p.Asn909Lysfs*90) in the BRCA1 gene. It is expected to result in an absent or disrupted protein product. Loss-of-function variants in BRCA1 are known to be pathogenic (PMID: 20104584).

Consortium of Investigators of Modifiers of BRCA1/2 (CIMBA), c/o University of Cambridge
Classification: Pathogenic for Breast-ovarian cancer, familial, susceptibility to, 1. Last evaluated: 2015-10-02. Review status: criteria provided, single submitter. Criteria: CIMBA Mutation Classification guidelines May 2016. Collection method: clinical testing. Allele origin: germline. Not counted in ClinVar's aggregate classification.

Department of Medical Genetics, Oslo University Hospital
Classification: Pathogenic for Breast-ovarian cancer, familial, susceptibility to, 1. Last evaluated: 2015-07-01. Review status: criteria provided, single submitter. Criteria: ACMG Guidelines, 2015. Collection method: clinical testing. Allele origin: germline. Affected: yes. Observed: 1 variant allele. Not counted in ClinVar's aggregate classification.

Research Molecular Genetics Laboratory, Women's College Hospital, University of Toronto
Classification: Pathogenic for Hereditary breast ovarian cancer syndrome. Last evaluated: 2014-01-31. Review status: no assertion criteria provided. Collection method: research. Allele origin: germline. Affected: yes. Study: The Canadian Open Genetics Repository (COGR). Not counted in ClinVar's aggregate classification.

Sharing Clinical Reports Project (SCRP)
Classification: Pathogenic for Breast-ovarian cancer, familial 1. Last evaluated: 2012-05-01. Review status: no assertion criteria provided. Collection method: clinical testing. Allele origin: germline. Not counted in ClinVar's aggregate classification.

Breast Cancer Information Core (BIC) (BRCA1)
Classification: Pathogenic for Breast-ovarian cancer, familial 1. Last evaluated: 1999-06-22. Review status: no assertion criteria provided. Collection method: clinical testing. Allele origin: germline. Affected: yes. Observed: 7 variant alleles. Not counted in ClinVar's aggregate classification.

Literature cited by the submitters: PubMed 32375709 (cited by Dasa); PubMed 21989022 (cited by Dasa); PubMed 11802209 (cited by Dasa); PubMed 11556835 (cited by Ambry Genetics); PubMed 11597388 (cited by Ambry Genetics); PubMed 8968102 (cited by Ambry Genetics and Labcorp Genetics (formerly Invitae), Labcorp); PubMed 16683254 (cited by Labcorp Genetics (formerly Invitae), Labcorp); PubMed 22762150 (cited by Labcorp Genetics (formerly Invitae), Labcorp); PubMed 20104584 (cited by Labcorp Genetics (formerly Invitae), Labcorp).